The following is an entry in ClinVar:

NM_000166.6(GJB1):c.26T>C (p.Leu9Ser)

Gene: GJB1 (gap junction protein beta 1; plus strand). Cytogenetic location: Xq13.1.
Variant type: single nucleotide variant.
Coding change: c.26T>C on transcript NM_000166.6 (MANE Select); coding-DNA position 26, T replaced by C.
Protein change: p.Leu9Ser; replaces leucine 9 with serine.
Molecular consequence: missense variant.
Genome position (GRCh38, 1-based): chrX:71,223,733, T>C. VCF-style: chrX-71223733-T-C. GRCh37 (hg19) VCF-style: chrX-70443583-T-C.
Other names: c.26T>C, p.Leu9Ser (NM_001097642.3); short protein forms L9S.
Identifiers: ClinVar variation 585741 (VCV000585741.12), dbSNP rs1569214971, ClinGen allele CA413499414.

ClinVar aggregate classification (germline): Uncertain significance. Review status: criteria provided, multiple submitters, no conflicts (2 of 4 stars). 3 submissions from 3 submitters: Uncertain significance (3). Last evaluated 2021-08-02.

Conditions:
Inborn genetic diseases. Identifiers: MedGen C0950123, MeSH D030342.
Charcot-Marie-Tooth Neuropathy X. Identifiers: MedGen CN118851.

Submissions (3):

Ambry Genetics
Classification: Uncertain significance for Inborn genetic diseases. Last evaluated: 2021-08-02. Review status: criteria provided, single submitter. Criteria: Ambry Variant Classification Scheme 2023. Collection method: clinical testing. Allele origin: germline.
Comment: The p.L9S variant (also known as c.26T>C), located in coding exon 1 of the GJB1 gene, results from a T to C substitution at nucleotide position 26. The leucine at codon 9 is replaced by serine, an amino acid with dissimilar properties. This amino acid position is not well conserved in available vertebrate species. In addition, this alteration is predicted to be deleterious by in silico analysis. Since supporting evidence is limited at this time, the clinical significance of this alteration remains unclear.

Labcorp Genetics (formerly Invitae), Labcorp
Classification: Uncertain significance for Charcot-Marie-Tooth Neuropathy X. Last evaluated: 2021-05-30. Review status: criteria provided, single submitter. Criteria: Invitae Variant Classification Sherloc (09022015). Collection method: clinical testing. Allele origin: germline.
Comment: In summary, the available evidence is currently insufficient to determine the role of this variant in disease. Therefore, it has been classified as a Variant of Uncertain Significance. This variant disrupts the p.Leu9 amino acid residue in GJB1. Other variant(s) that disrupt this residue have been observed in individuals with GJB1-related conditions (PMID: 20039784, 28797703), which suggests that this may be a clinically significant amino acid residue Algorithms developed to predict the effect of missense changes on protein structure and function are either unavailable or do not agree on the potential impact of this missense change (SIFT: "Deleterious"; PolyPhen-2: "Possibly Damaging"; Align-GVGD: "Class C0"). This variant has been observed in individual(s) with clinical features of Charcot-Marie-Tooth disease (Invitae). ClinVar contains an entry for this variant (Variation ID: 585741). This variant is not present in population databases (ExAC no frequency). This sequence change replaces leucine with serine at codon 9 of the GJB1 protein (p.Leu9Ser). The leucine residue is moderately conserved and there is a large physicochemical difference between leucine and serine.

Athena Diagnostics
Classification: Uncertain significance. Last evaluated: 2017-10-16. Review status: criteria provided, single submitter. Criteria: Athena Diagnostics Criteria. Collection method: clinical testing. Allele origin: germline.

Literature cited by the submitters: PubMed 20039784 (cited by Labcorp Genetics (formerly Invitae), Labcorp); PubMed 28797703 (cited by Labcorp Genetics (formerly Invitae), Labcorp).